The following is an entry in ClinVar:

NM_007194.4(CHEK2):c.313A>T (p.Asn105Tyr)

Gene: CHEK2 (checkpoint kinase 2; minus strand). Cytogenetic location: 22q12.1.
Variant type: single nucleotide variant.
Coding change: c.313A>T on transcript NM_007194.4 (MANE Select); coding-DNA position 313, A replaced by T.
Protein change: p.Asn105Tyr; replaces asparagine 105 with tyrosine.
Molecular consequence: missense variant.
Genome position (GRCh38, 1-based): chr22:28,734,409, T>A on the plus strand (A>T on the coding strand, the complement: CHEK2 is on the minus strand). VCF-style: chr22-28734409-T-A. GRCh37 (hg19) VCF-style: chr22-29130397-T-A.
Other names: c.313A>T, p.Asn105Tyr (NM_001005735.3, NM_001349956.3, NM_145862.3); c.-465A>T (NM_001257387.3); short protein forms N105Y.
Identifiers: ClinVar variation 1728062 (VCV001728062.3), dbSNP rs1010061908, ClinGen allele CA411090185.
Genomic context (GRCh38, chr22:28,734,409, plus strand): 5'-TTCTGTAAGTGTTTTTCTGAACAAAACGTGATACTATACAACAAAGGGTCTTACCAAGAT[T>A]GGCAAATCCATCCTGAAGGGCCCATAATCGAGCCCAGGGGGCAGGGGTAGGCTCCTCAGG-3'
Protein context (NP_009125.1, residues 95-115): RLWALQDGFA[Asn105Tyr]LECVNDNYWF

ClinVar aggregate classification (germline): Uncertain significance. Review status: criteria provided, multiple submitters, no conflicts (2 of 4 stars). 2 submissions from 2 submitters: Uncertain significance (2). Last evaluated 2025-12-28.

Conditions:
Hereditary cancer-predisposing syndrome. Also called: Tumor predisposition; Neoplastic Syndromes, Hereditary; Hereditary Cancer Syndrome; Hereditary neoplastic syndrome. Identifiers: Orphanet 140162, MedGen C0027672, MeSH D009386, MONDO:0015356.
Familial cancer of breast. Also called: Hereditary breast cancer; BREAST CANCER, FAMILIAL; hereditary breast carcinoma. Identifiers: Orphanet 227535, MedGen C0346153, MONDO:0016419, OMIM 114480. Disease mechanism: loss of function.

Submissions (2):

Labcorp Genetics (formerly Invitae), Labcorp
Classification: Uncertain significance for Familial cancer of breast. Last evaluated: 2025-12-28. Review status: criteria provided, single submitter. Criteria: Invitae Variant Classification Sherloc (09022015). Collection method: clinical testing. Allele origin: germline.
Comment: This sequence change replaces asparagine, which is neutral and polar, with tyrosine, which is neutral and polar, at codon 105 of the CHEK2 protein (p.Asn105Tyr). This variant is not present in population databases (gnomAD no frequency). This variant has not been reported in the literature in individuals affected with CHEK2-related conditions. ClinVar contains an entry for this variant (Variation ID: 1728062). An algorithm developed to predict the effect of missense changes on protein structure and function (PolyPhen-2) suggests that this variant is likely to be disruptive. In summary, the available evidence is currently insufficient to determine the role of this variant in disease. Therefore, it has been classified as a Variant of Uncertain Significance.

Ambry Genetics
Classification: Uncertain significance for Hereditary cancer-predisposing syndrome. Last evaluated: 2021-05-07. Review status: criteria provided, single submitter. Criteria: Ambry Variant Classification Scheme 2023. Collection method: clinical testing. Allele origin: germline.
Comment: The p.N105Y variant (also known as c.313A>T), located in coding exon 1 of the CHEK2 gene, results from an A to T substitution at nucleotide position 313. The asparagine at codon 105 is replaced by tyrosine, an amino acid with dissimilar properties. This amino acid position is highly conserved in available vertebrate species. In addition, this alteration is predicted to be deleterious by in silico analysis. Since supporting evidence is limited at this time, the clinical significance of this alteration remains unclear.